The following is an entry in ClinVar:

ClinVar aggregate classification (germline): Benign. Review status: criteria provided, multiple submitters, no conflicts (2 of 4 stars). 18 submissions from 18 submitters: Benign (12). 6 of the submissions do not count toward it. Last evaluated 2026-07-01.

Conditions:
Cardiovascular phenotype. Identifiers: MedGen CN230736.
Glycogen storage disease, type II (IOPD). Also called: POMPE DISEASE, INFANTILE-ONSET; GLYCOGEN STORAGE DISEASE II, INFANTILE-ONSET; ACID ALPHA-GLUCOSIDASE DEFICIENCY, INFANTILE-ONSET; GAA DEFICIENCY, INFANTILE-ONSET; ACID MALTASE DEFICIENCY, INFANTILE-ONSET; Pompe Disease. Identifiers: Orphanet 365, MedGen C0017921, MONDO:0009290, OMIM 232300.

Allele frequency attached by ClinVar (database versions not stated): 1000 Genomes Project 0.60084; 1000 Genomes Project 30x 0.59931; gnomAD 0.65667 and 0.65629; gnomAD exomes 0.66745 and 0.71126; TOPMed 0.63755; ESP Exome Variant Server 0.67254; ExAC 0.67455.
gnomAD v4.1: 1,137,205 of 1,610,784 alleles (71%); highest among the groups gnomAD compares: Middle Eastern, 80%; 405,359 homozygotes.

Submissions (18):

Genomenon, Inc
Classification: Benign for Glycogen storage disease, type II. Last evaluated: 2026-07-01. Review status: criteria provided, single submitter. Criteria: Genomenon Sequence Variant Interpretation Standards - Updated. Collection method: curation. Allele origin: germline. Affected: no.
Comment: GAA p.His199Arg (c.596A>G) is a missense variant that changes the amino acid at codon 199 from Histidine to Arginine. This variant is present at high allele frequency in population databases. We classify GAA p.His199Arg (c.596A>G) as a benign variant.

Labcorp Genetics (formerly Invitae), Labcorp
Classification: Benign for Glycogen storage disease, type II. Last evaluated: 2026-02-04. Review status: criteria provided, single submitter. Criteria: Invitae Variant Classification Sherloc (09022015). Collection method: clinical testing. Allele origin: germline.

Blueprint Genetics
Classification: Benign. Last evaluated: 2024-11-28. Review status: criteria provided, single submitter. Criteria: ACMG Guidelines, 2015. Collection method: clinical testing. Allele origin: germline.

Genome-Nilou Lab
Classification: Benign for Glycogen storage disease, type II. Last evaluated: 2021-06-10. Review status: criteria provided, single submitter. Criteria: ACMG Guidelines, 2015. Collection method: clinical testing. Allele origin: germline. Affected: no.

Ambry Genetics
Classification: Benign for Cardiovascular phenotype. Last evaluated: 2018-12-11. Review status: criteria provided, single submitter. Criteria: Ambry Variant Classification Scheme 2023. Collection method: clinical testing. Allele origin: germline.

Eurofins Ntd Llc (ga)
Classification: Benign. Last evaluated: 2018-09-04. Review status: criteria provided, single submitter. Criteria: EGL ClinVar v180209 classification definitions. Collection method: clinical testing. Allele origin: germline. Observed: 112 variant alleles, 63 heterozygotes, 49 homozygotes.

Illumina Laboratory Services, Illumina
Classification: Benign for Glycogen storage disease, type II. Last evaluated: 2018-01-13. Review status: criteria provided, single submitter. Criteria: ICSL Variant Classification Criteria 13 December 2019. Collection method: clinical testing. Allele origin: germline.
Comment: This variant was observed in the ICSL laboratory as part of a predisposition screen in an ostensibly healthy population. It had not been previously curated by ICSL or reported in the Human Gene Mutation Database (HGMD: prior to June 1st, 2018), and was therefore a candidate for classification through an automated scoring system. Utilizing variant allele frequency, disease prevalence and penetrance estimates, and inheritance mode, an automated score was calculated to assess if this variant is too frequent to cause the disease. Based on the score and internal cut-off values, a variant classified as benign is not then subjected to further curation. The score for this variant resulted in a classification of benign for this disease.

Phosphorus, Inc.
Classification: Benign for Glycogen storage disease, type II. Last evaluated: 2017-08-01. Review status: criteria provided, single submitter. Criteria: ACMG Guidelines, 2015. Collection method: clinical testing. Allele origin: germline. Observed: 20 variant alleles.

GeneDx
Classification: Benign. Last evaluated: 2015-03-03. Review status: criteria provided, single submitter. Criteria: GeneDx Variant Classification Process June 2021. Collection method: clinical testing. Allele origin: germline. Affected: yes.

Genetic Services Laboratory, University of Chicago
Classification: Benign for AllHighlyPenetrant. Last evaluated: 2013-08-15. Review status: criteria provided, single submitter. Criteria: ACMG Guidelines, 2007. Collection method: clinical testing. Allele origin: germline. Inheritance: Autosomal recessive inheritance.

Breakthrough Genomics
Classification: Benign. Review status: criteria provided, single submitter. Criteria: ACMG Guidelines, 2015. Collection method: not provided. Allele origin: germline. Inheritance: Autosomal recessive inheritance. Affected: yes.

PreventionGenetics, part of Exact Sciences
Classification: Benign. Review status: criteria provided, single submitter. Criteria: ACMG Guidelines, 2015. Collection method: clinical testing. Allele origin: germline.

Natera, Inc.
Classification: Benign for Glycogen storage disease type II. Last evaluated: 2019-11-18. Review status: no assertion criteria provided. Collection method: clinical testing. Allele origin: germline. Not counted in ClinVar's aggregate classification.

Mayo Clinic Laboratories, Mayo Clinic
Classification: Benign. Last evaluated: 2015-10-19. Review status: no assertion criteria provided. Collection method: clinical testing. Allele origin: unknown. Not counted in ClinVar's aggregate classification.

Diagnostic Laboratory, Department of Genetics, University Medical Center Groningen
Classification: Benign for Glycogen storage disease, type II. Review status: no assertion criteria provided. Collection method: clinical testing. Allele origin: germline. Affected: yes. Study: VKGL Data-share Consensus. Not counted in ClinVar's aggregate classification.

Genome Diagnostics Laboratory, University Medical Center Utrecht
Classification: Benign. Review status: no assertion criteria provided. Collection method: clinical testing. Allele origin: germline. Affected: yes. Study: VKGL Data-share Consensus. Not counted in ClinVar's aggregate classification.

Joint Genome Diagnostic Labs from Nijmegen and Maastricht, Radboudumc and MUMC+
Classification: Benign. Review status: no assertion criteria provided. Collection method: clinical testing. Allele origin: germline. Affected: yes. Study: VKGL Data-share Consensus. Not counted in ClinVar's aggregate classification.

Department of Pathology and Laboratory Medicine, Sinai Health System
Classification: Uncertain significance. Review status: flagged submission. Collection method: clinical testing. Allele origin: unknown. Affected: yes. Study: The Canadian Open Genetics Repository (COGR). Not counted in ClinVar's aggregate classification.
Comment: multiple AR variants in same gene - keep for nowAllele frequency is common in at least one population database (frequency: 77.976% in gnomAD_ExomesFounderPop) based on the frequency threshold of 2.76% for this gene.Variant was observed in a homozygous state in population databases more than expected for disease.8 reputable source/s reports the variant as benign, but the evidence is not available to the laboratory to perform an independent evaluation.
ClinVar note: Reason: Outlier claim with insufficient supporting evidence

Literature cited by the submitters: PubMed 18414213 (cited by Phosphorus, Inc.); PubMed 23757202 (cited by Phosphorus, Inc.).

NM_000152.5(GAA):c.596A>G (p.His199Arg)

Gene: GAA (alpha glucosidase; plus strand). Cytogenetic location: 17q25.3.
Variant type: single nucleotide variant.
Coding change: c.596A>G on transcript NM_000152.5 (MANE Select); coding-DNA position 596, A replaced by G.
Protein change: p.His199Arg; replaces histidine 199 with arginine.
Molecular consequence: missense variant.
Genome position (GRCh38, 1-based): chr17:80,105,798, A>G. VCF-style: chr17-80105798-A-G. GRCh37 (hg19) VCF-style: chr17-78079597-A-G.
Other names: c.596A>G, p.His199Arg (NM_001079803.3, NM_001079804.3, LRG_673t1); short protein forms H199R.
Identifiers: ClinVar variation 92486 (VCV000092486.44), dbSNP rs1042393, ClinGen allele CA145785.